The following is an entry in ClinVar:

ClinVar aggregate classification (germline): Uncertain significance. Review status: criteria provided, multiple submitters, no conflicts (2 of 4 stars). 2 submissions from 2 submitters: Uncertain significance (2). Last evaluated 2023-12-14.

Allele frequency attached by ClinVar (database versions not stated): ExAC 0.00002; gnomAD 0.00008; TOPMed 0.00008; gnomAD exomes 0.00013; ESP Exome Variant Server 0.00023.
gnomAD v4.1: 207 of 1,613,762 alleles (0.013%); highest among the groups gnomAD compares: Middle Eastern, 0.034%; no homozygotes.

Submissions (2):

Women's Health and Genetics/Laboratory Corporation of America, LabCorp
Classification: Uncertain significance. Last evaluated: 2023-12-14. Review status: criteria provided, single submitter. Criteria: LabCorp Variant Classification Summary - May 2015. Collection method: clinical testing. Allele origin: germline.
Comment: Variant summary: OCA2 c.1592A>G (p.Tyr531Cys) results in a non-conservative amino acid change located in the Citrate transporter-like domain of the encoded protein sequence. Five of five in-silico tools predict a damaging effect of the variant on protein function. The variant allele was found at a frequency of 6e-05 in 251482 control chromosomes. This frequency is not significantly higher than estimated for a pathogenic variant in OCA2 causing Oculocutaneous Albinism (6e-05 vs 0.0043), allowing no conclusion about variant significance. c.1592A>G has been reported in the literature in individuals affected with Oculocutaneous Albinism (Lasseaux_2018). These report(s) do not provide unequivocal conclusions about association of the variant with Oculocutaneous Albinism. To our knowledge, no experimental evidence demonstrating an impact on protein function has been reported. The following publication have been ascertained in the context of this evaluation (PMID: 29345414). One submitter has cited clinical-significance assessments for this variant to ClinVar after 2014 and has classified the variant as uncertain significance. Based on the evidence outlined above, the variant was classified as uncertain significance.

Labcorp Genetics (formerly Invitae), Labcorp
Classification: Uncertain significance. Last evaluated: 2022-03-13. Review status: criteria provided, single submitter. Criteria: Invitae Variant Classification Sherloc (09022015). Collection method: clinical testing. Allele origin: germline.
Comment: This sequence change replaces tyrosine, which is neutral and polar, with cysteine, which is neutral and slightly polar, at codon 531 of the OCA2 protein (p.Tyr531Cys). This variant is present in population databases (rs143699063, gnomAD 0.01%). This missense change has been observed in individual(s) with ocular albinism (PMID: 29345414). Algorithms developed to predict the effect of missense changes on protein structure and function are either unavailable or do not agree on the potential impact of this missense change (SIFT: "Deleterious"; PolyPhen-2: "Probably Damaging"; Align-GVGD: "Class C0"). In summary, the available evidence is currently insufficient to determine the role of this variant in disease. Therefore, it has been classified as a Variant of Uncertain Significance.

Literature cited by the submitters: PubMed 29345414 (cited by Women's Health and Genetics/Laboratory Corporation of America, LabCorp and Labcorp Genetics (formerly Invitae), Labcorp).

NM_000275.3(OCA2):c.1592A>G (p.Tyr531Cys)

Gene: OCA2 (OCA2 melanosomal transmembrane protein; minus strand). Cytogenetic location: 15q13.1.
Variant type: single nucleotide variant.
Coding change: c.1592A>G on transcript NM_000275.3 (MANE Select); coding-DNA position 1592, A replaced by G.
Protein change: p.Tyr531Cys; replaces tyrosine 531 with cysteine.
Molecular consequence: missense variant.
Genome position (GRCh38, 1-based): chr15:27,966,734, T>C on the plus strand (A>G on the coding strand, the complement: OCA2 is on the minus strand). VCF-style: chr15-27966734-T-C. GRCh37 (hg19) VCF-style: chr15-28211880-T-C.
Other names: c.1520A>G, p.Tyr507Cys (NM_001300984.2); short protein forms Y507C, Y531C.
Identifiers: ClinVar variation 2076574 (VCV002076574.2), dbSNP rs143699063, ClinGen allele CA7438981.